The following is an entry in ClinVar:

ClinVar aggregate classification (germline): Pathogenic. Review status: reviewed by expert panel (3 of 4 stars). 6 submissions from 6 submitters: Pathogenic (1). 5 of the submissions do not count toward it. Last evaluated 2017-12-15.

Conditions:
Breast-ovarian cancer, familial, susceptibility to, 2 (BROVCA2). Also called: BRCA2 Hereditary Breast and Ovarian Cancer. Identifiers: Orphanet 145, MedGen C2675520, MONDO:0012933, OMIM 612555. Disease mechanism: loss of function.
Familial cancer of breast. Also called: BREAST CANCER, FAMILIAL; Hereditary breast cancer; hereditary breast carcinoma. Identifiers: Orphanet 227535, MedGen C0346153, MONDO:0016419, OMIM 114480. Disease mechanism: loss of function.
Hereditary cancer-predisposing syndrome. Also called: Hereditary neoplastic syndrome; Tumor predisposition; Neoplastic Syndromes, Hereditary; Hereditary Cancer Syndrome. Identifiers: Orphanet 140162, MedGen C0027672, MeSH D009386, MONDO:0015356.
Hereditary breast ovarian cancer syndrome. Also called: BRCA1- and BRCA2-Associated Hereditary Breast and Ovarian Cancer; Hereditary breast and/or ovarian cancer syndrome; Hereditary breast and ovarian cancer; Hereditary breast and ovarian cancer syndrome; Hereditary breast and ovarian cancer syndrome (HBOC); Breast and ovarian cancer. Identifiers: Orphanet 145, MedGen C0677776, MeSH D061325, MONDO:0003582. Disease mechanism: loss of function.
Breast neoplasm. Also called: Breast Neoplasms; Neoplasm of the breast; Neoplasm of breast; Breast tumor. Identifiers: MedGen C1458155, MeSH D001943, MONDO:0021100, HP:0100013. Disease mechanism: gain of function.

Submissions (6):

Evidence-based Network for the Interpretation of Germline Mutant Alleles (ENIGMA)
Classification: Pathogenic for Breast-ovarian cancer, familial, susceptibility to, 2. Last evaluated: 2017-12-15. Review status: reviewed by expert panel. Criteria: ENIGMA BRCA1/2 Classification Criteria (2017-06-29). Collection method: curation. Allele origin: germline. Study: ENIGMA.
Comment: Variant allele predicted to encode a truncated non-functional protein.

Ambry Genetics
Classification: Pathogenic for Hereditary cancer-predisposing syndrome. Last evaluated: 2025-03-11. Review status: criteria provided, single submitter. Criteria: Ambry Variant Classification Scheme 2023. Collection method: clinical testing. Allele origin: germline. Not counted in ClinVar's aggregate classification.
Comment: The p.S286* pathogenic mutation (also known as c.857C>G), located in coding exon 9 of the BRCA2 gene, results from a C to G substitution at nucleotide position 857. This changes the amino acid from a serine to a stop codon within coding exon 9. This variant is considered to be rare based on population cohorts in the Genome Aggregation Database (gnomAD). In addition to the clinical data presented in the literature, this alteration is expected to result in loss of function by premature protein truncation or nonsense-mediated mRNA decay. As such, this alteration is interpreted as a disease-causing mutation.

Women's Health and Genetics/Laboratory Corporation of America, LabCorp
Classification: Pathogenic for Hereditary breast ovarian cancer syndrome. Last evaluated: 2025-02-20. Review status: criteria provided, single submitter. Criteria: LabCorp Variant Classification Summary - May 2015. Collection method: clinical testing. Allele origin: germline. Not counted in ClinVar's aggregate classification.
Comment: Variant summary: BRCA2 c.857C>G (p.Ser286X) results in a premature termination codon, predicted to cause a truncation of the encoded protein or absence of the protein due to nonsense mediated decay, which are commonly known mechanisms for disease. The variant was absent in 240246 control chromosomes (gnomAD). c.857C>G has been reported in the literature in individuals affected with breast cancer (e.g. Wang_2018, Laczmanska_2024). To our knowledge, no experimental evidence demonstrating an impact on protein function has been reported. The following publications have been ascertained in the context of this evaluation (PMID: 29566657, 39080120). ClinVar contains an entry for this variant (Variation ID: 430601). Based on the evidence outlined above, the variant was classified as pathogenic.

Baylor Genetics
Classification: Pathogenic for Familial cancer of breast. Last evaluated: 2023-07-11. Review status: criteria provided, single submitter. Criteria: ACMG Guidelines, 2015. Collection method: clinical testing. Allele origin: unknown. Not counted in ClinVar's aggregate classification.

Labcorp Genetics (formerly Invitae), Labcorp
Classification: Pathogenic for Hereditary breast ovarian cancer syndrome. Last evaluated: 2022-07-05. Review status: criteria provided, single submitter. Criteria: Invitae Variant Classification Sherloc (09022015). Collection method: clinical testing. Allele origin: germline. Not counted in ClinVar's aggregate classification.
Comment: This sequence change creates a premature translational stop signal (p.Ser286*) in the BRCA2 gene. It is expected to result in an absent or disrupted protein product. Loss-of-function variants in BRCA2 are known to be pathogenic (PMID: 20104584). This variant is not present in population databases (gnomAD no frequency). This premature translational stop signal has been observed in individual(s) with clinical features of hereditary breast and ovarian cancer (HBOC) syndrome (PMID: 29566657). ClinVar contains an entry for this variant (Variation ID: 430601). For these reasons, this variant has been classified as Pathogenic.

Yang An-Suei Laboratory, Academia Sinica
Classification: Pathogenic for breast cancer. Review status: criteria provided, single submitter. Criteria: Submitter's publication. Collection method: clinical testing. Allele origin: germline. Affected: yes. Not counted in ClinVar's aggregate classification.

Literature cited by the submitters: PubMed 29566657 (cited by 3 submitters); PubMed 39080120 (cited by Women's Health and Genetics/Laboratory Corporation of America, LabCorp); PubMed 20104584 (cited by Labcorp Genetics (formerly Invitae), Labcorp).

NM_000059.4(BRCA2):c.857C>G (p.Ser286Ter)

Gene: BRCA2 (BRCA2 DNA repair associated; plus strand). Cytogenetic location: 13q13.1.
Variant type: single nucleotide variant.
Coding change: c.857C>G on transcript NM_000059.4 (MANE Select); coding-DNA position 857, C replaced by G.
Protein change: p.Ser286Ter; replaces serine 286 with a stop codon.
Molecular consequence: nonsense.
Genome position (GRCh38, 1-based): chr13:32,332,335, C>G. VCF-style: chr13-32332335-C-G. GRCh37 (hg19) VCF-style: chr13-32906472-C-G.
Other names: short protein forms S286*.
Identifiers: ClinVar variation 430601 (VCV000430601.17), dbSNP rs1131692035, ClinGen allele CA387760554.
Genomic context (GRCh38, chr13:32,332,335, plus strand): 5'-TTGGAAAAACATCAGGGAATTCATTTAAAGTAAATAGCTGCAAAGACCACATTGGAAAGT[C>G]AATGCCAAATGTCCTAGAAGATGAAGTATATGAAACAGTTGTAGATACCTCTGAAGAAGA-3'